The following is an entry in ClinVar:

ClinVar aggregate classification (germline): Uncertain significance (1 of 4 stars; one submission).

gnomAD v4.1: 3 of 1,613,470 alleles (0.00019%); highest among the groups gnomAD compares: African/African-American, 0.0027%; no homozygotes.

Submission:

GeneDx
Classification: Uncertain significance. Last evaluated: 2025-06-02. Review status: criteria provided, single submitter. Criteria: GeneDx Variant Classification Process June 2021. Collection method: clinical testing. Allele origin: germline. Affected: yes.
Comment: Not observed at significant frequency in large population cohorts (gnomAD); In silico analysis supports that this missense variant has a deleterious effect on protein structure/function; Has not been previously published as pathogenic or benign to our knowledge

NM_000297.4(PKD2):c.1289A>G (p.Asn430Ser)

Gene: PKD2 (polycystin 2, transient receptor potential cation channel; plus strand). Cytogenetic location: 4q22.1.
Variant type: single nucleotide variant.
Coding change: c.1289A>G on transcript NM_000297.4 (MANE Select); coding-DNA position 1289, A replaced by G.
Protein change: p.Asn430Ser; replaces asparagine 430 with serine.
Molecular consequence: missense variant. On other transcripts: non-coding transcript variant (1), intron variant (1).
Genome position (GRCh38, 1-based): chr4:88,043,427, A>G. VCF-style: chr4-88043427-A-G. GRCh37 (hg19) VCF-style: chr4-88964579-A-G.
Other names: c.1095-3215A>G (NM_001440544.1); short protein forms N430S.
Identifiers: ClinVar variation 4536485 (VCV004536485.1).